The following is an entry in ClinVar:

ClinVar aggregate classification (germline): Uncertain significance. Review status: criteria provided, multiple submitters, no conflicts (2 of 4 stars). 4 submissions from 4 submitters: Uncertain significance (4). Last evaluated 2025-12-16.

Conditions:
Hereditary cancer-predisposing syndrome. Also called: Tumor predisposition; Hereditary neoplastic syndrome; Neoplastic Syndromes, Hereditary; Hereditary Cancer Syndrome. Identifiers: Orphanet 140162, MedGen C0027672, MeSH D009386, MONDO:0015356.
SDHC-related disorder. Also called: SDHC-related condition.
Gastrointestinal stromal tumor. Also called: Gastrointestinal stroma tumor; Gastrointestinal stromal tumor, somatic. Identifiers: Orphanet 44890, MedGen C0238198, MeSH D046152, MONDO:0011719, OMIM 606764, HP:0100723.
Pheochromocytoma/paraganglioma syndrome 3. Also called: Paragangliomas 3; SDHC-Related Hereditary Paraganglioma-Pheochromocytoma Syndrome; GLOMUS TUMORS, FAMILIAL, 3; SDHC-Related Hereditary Paraganglioma-Pheochromocytoma Syndrome (Paragangliomas 3). Identifiers: Orphanet 29072, MedGen C1854336, MONDO:0011544, OMIM 605373.

Allele frequency attached by ClinVar (database versions not stated): gnomAD exomes below 0.00001; gnomAD 0.00001; TOPMed 0.00001.
gnomAD v4.1: 5 of 1,613,774 alleles (0.00031%); highest among the groups gnomAD compares: Middle Eastern, 0.033%; no homozygotes.

Submissions (4):

Labcorp Genetics (formerly Invitae), Labcorp
Classification: Uncertain significance for Pheochromocytoma/paraganglioma syndrome 3; Gastrointestinal stromal tumor. Last evaluated: 2025-12-16. Review status: criteria provided, single submitter. Criteria: Invitae Variant Classification Sherloc (09022015). Collection method: clinical testing. Allele origin: germline.
Comment: This sequence change replaces methionine, which is neutral and non-polar, with isoleucine, which is neutral and non-polar, at codon 38 of the SDHC protein (p.Met38Ile). This variant is present in population databases (no rsID available, gnomAD 0.007%). This variant has not been reported in the literature in individuals affected with SDHC-related conditions. ClinVar contains an entry for this variant (Variation ID: 534373). An algorithm developed to predict the effect of missense changes on protein structure and function (PolyPhen-2) suggests that this variant is likely to be disruptive. In summary, the available evidence is currently insufficient to determine the role of this variant in disease. Therefore, it has been classified as a Variant of Uncertain Significance.

PreventionGenetics, part of Exact Sciences
Classification: Uncertain significance for SDHC-related condition. Last evaluated: 2025-09-20. Review status: criteria provided, single submitter. Criteria: ACMG Guidelines, 2015. Collection method: clinical testing. Allele origin: germline.
Comment: The SDHC c.114G>C variant is predicted to result in the amino acid substitution p.Met38Ile. To our knowledge, this variant has not been reported in the literature. This variant is reported in 0.0065% of alleles in individuals of European (Non-Finnish) descent in gnomAD and is classified as uncertain in ClinVar (Variation ID: 534373). At this time, the clinical significance of this variant is uncertain due to the absence of conclusive functional and genetic evidence.

Ambry Genetics
Classification: Uncertain significance for Hereditary cancer-predisposing syndrome. Last evaluated: 2025-04-09. Review status: criteria provided, single submitter. Criteria: Ambry Variant Classification Scheme 2023. Collection method: clinical testing. Allele origin: germline.
Comment: The p.M38I variant (also known as c.114G>C), located in coding exon 3 of the SDHC gene, results from a G to C substitution at nucleotide position 114. The methionine at codon 38 is replaced by isoleucine, an amino acid with highly similar properties. This amino acid position is highly conserved in available vertebrate species. In addition, this alteration is predicted to be deleterious by in silico analysis. Since supporting evidence is limited at this time, the clinical significance of this alteration remains unclear.

Quest Diagnostics Nichols Institute San Juan Capistrano
Classification: Uncertain significance. Last evaluated: 2024-10-17. Review status: criteria provided, single submitter. Criteria: Quest Diagnostics criteria. Collection method: clinical testing. Allele origin: unknown.
Comment: The SDHC c.114G>C (p.Met38Ile) variant has not been reported in individuals with SDHC-related conditions in the published literature. The frequency of this variant in the general population, 0.000032 (1/31404 chromosomes (Genome Aggregation Database)), is uninformative in the assessment of its pathogenicity. Analysis of this variant using bioinformatics tools for the prediction of the effect of amino acid changes on protein structure and function yielded conflicting predictions that this variant is benign or damaging. Based on the available information, we are unable to determine the clinical significance of this variant.

NM_003001.5(SDHC):c.114G>C (p.Met38Ile)

Gene: SDHC (succinate dehydrogenase complex subunit C; plus strand). Cytogenetic location: 1q23.3.
Variant type: single nucleotide variant.
Coding change: c.114G>C on transcript NM_003001.5 (MANE Select); coding-DNA position 114, G replaced by C.
Protein change: p.Met38Ile; replaces methionine 38 with isoleucine.
Molecular consequence: missense variant. On other transcripts: initiator codon variant (2), non-coding transcript variant (1), intron variant (4).
Genome position (GRCh38, 1-based): chr1:161,328,432, G>C. VCF-style: chr1-161328432-G-C. GRCh37 (hg19) VCF-style: chr1-161298222-G-C.
Other names: c.114G>C, p.Met38Ile (NM_001035511.3, NM_001407115.1); c.57G>C, p.Met19Ile (NM_001407116.1, NM_001407117.1, NM_001407121.1); c.3G>C, p.Met1Ile (NM_001407119.1, NM_001407120.1); c.77+4762G>C (NM_001035512.3, NM_001278172.3, NM_001407118.1); c.21-12162G>C (NM_001035513.3); short protein forms M38I, M19I, M1I.
Identifiers: ClinVar variation 534373 (VCV000534373.17), dbSNP rs868556406, ClinGen allele CA31686019.
Genomic context (GRCh38, chr1:161,328,432, plus strand): 5'-TCAAACGGTCTGGTTTTATTTTAGTGCTGTTCCTTTGGGAACCACGGCCAAAGAAGAGAT[G>C]GAGCGGTTCTGGAATAAGAATATAGGTTCAAACCGTCCTCTGTCTCCCCACATTACTATC-3'
Protein context (NP_002992.1, residues 28-48): VPLGTTAKEE[Met38Ile]ERFWNKNIGS